The following is an entry in ClinVar:

ClinVar aggregate classification (germline): Uncertain significance (1 of 4 stars; one submission).

Conditions:
Hereditary cancer-predisposing syndrome. Also called: Hereditary Cancer Syndrome; Hereditary neoplastic syndrome; Neoplastic Syndromes, Hereditary; Tumor predisposition. Identifiers: Orphanet 140162, MedGen C0027672, MeSH D009386, MONDO:0015356.

Submission:

Ambry Genetics
Classification: Uncertain significance for Hereditary cancer-predisposing syndrome. Last evaluated: 2025-05-02. Review status: criteria provided, single submitter. Criteria: Ambry Variant Classification Scheme 2023. Collection method: clinical testing. Allele origin: germline.
Comment: The p.G237R variant (also known as c.709G>C), located in coding exon 4 of the MSH6 gene, results from a G to C substitution at nucleotide position 709. The glycine at codon 237 is replaced by arginine, an amino acid with dissimilar properties. This amino acid position is conserved. In addition, this alteration is predicted to be tolerated by in silico analysis. Based on the available evidence, the clinical significance of this variant remains unclear.

NM_000179.3(MSH6):c.709G>C (p.Gly237Arg)

Gene: MSH6 (mutS homolog 6; plus strand). Cytogenetic location: 2p16.3.
Variant type: single nucleotide variant.
Coding change: c.709G>C on transcript NM_000179.3 (MANE Select); coding-DNA position 709, G replaced by C.
Protein change: p.Gly237Arg; replaces glycine 237 with arginine.
Molecular consequence: missense variant. On other transcripts: 5 prime UTR variant (9), non-coding transcript variant (4), intron variant (1).
Genome position (GRCh38, 1-based): chr2:47,798,692, G>C. VCF-style: chr2-47798692-G-C. GRCh37 (hg19) VCF-style: chr2-48025831-G-C.
Other names: c.319G>C, p.Gly107Arg (NM_001281492.2); c.-198G>C (NM_001281493.2, NM_001281494.2, NM_001406811.1 and 6 more transcripts); c.805G>C, p.Gly269Arg (NM_001406795.1, NM_001406802.1); c.709G>C, p.Gly237Arg (NM_001406796.1, NM_001406798.1, NM_001406800.1 and 4 more transcripts); c.412G>C, p.Gly138Arg (NM_001406797.1, NM_001406801.1, NM_001406805.1 and 10 more transcripts); c.184G>C, p.Gly62Arg (NM_001406799.1, NM_001406806.1, NM_001406807.1); c.631G>C, p.Gly211Arg (NM_001406804.1); c.715G>C, p.Gly239Arg (NM_001406813.1); and 2 more; short protein forms G269R, G107R, G181R, G239R, G237R, G138R, G211R, G62R.
Identifiers: ClinVar variation 3913784 (VCV003913784.1).